The following is an entry in ClinVar:

NM_001004334.4(GPR179):c.1751A>C (p.Glu584Ala)

Gene: GPR179 (G protein-coupled receptor 179; minus strand). Cytogenetic location: 17q12.
Variant type: single nucleotide variant.
Coding change: c.1751A>C on transcript NM_001004334.4 (MANE Select); coding-DNA position 1751, A replaced by C.
Protein change: p.Glu584Ala; replaces glutamic acid 584 with alanine.
Molecular consequence: missense variant.
Genome position (GRCh38, 1-based): chr17:38,334,737, T>G on the plus strand (A>C on the coding strand, the complement: GPR179 is on the minus strand). VCF-style: chr17-38334737-T-G. GRCh37 (hg19) VCF-style: chr17-36490620-T-G.
Other names: short protein forms E584A.
Identifiers: ClinVar variation 1504153 (VCV001504153.5), dbSNP rs756900278, ClinGen allele CA290108448.

ClinVar aggregate classification (germline): Uncertain significance. Review status: criteria provided, multiple submitters, no conflicts (2 of 4 stars). 2 submissions from 2 submitters: Uncertain significance (2). Last evaluated 2023-09-08.

Allele frequency attached by ClinVar (database versions not stated): ExAC 0.00001; gnomAD exomes 0.00001 and 0.00002; TOPMed 0.00008; gnomAD 0.00011 and 0.00012.
gnomAD v4.1: 22 of 1,613,680 alleles (0.0014%); highest among the groups gnomAD compares: Admixed American, 0.035%; no homozygotes.

Submissions (2):

Blueprint Genetics
Classification: Uncertain significance. Last evaluated: 2023-09-08. Review status: criteria provided, single submitter. Criteria: ACMG Guidelines, 2015. Collection method: clinical testing. Allele origin: germline.

Labcorp Genetics (formerly Invitae), Labcorp
Classification: Uncertain significance. Last evaluated: 2021-09-01. Review status: criteria provided, single submitter. Criteria: Invitae Variant Classification Sherloc (09022015). Collection method: clinical testing. Allele origin: germline.
Comment: This variant is present in population databases (rs756900278, ExAC 0.002%). In summary, the available evidence is currently insufficient to determine the role of this variant in disease. Therefore, it has been classified as a Variant of Uncertain Significance. Algorithms developed to predict the effect of missense changes on protein structure and function are either unavailable or do not agree on the potential impact of this missense change (SIFT: "Tolerated"; PolyPhen-2: "Probably Damaging"; Align-GVGD: "Class C0"). This variant has not been reported in the literature in individuals affected with GPR179-related conditions. This sequence change replaces glutamic acid with alanine at codon 584 of the GPR179 protein (p.Glu584Ala). The glutamic acid residue is highly conserved and there is a moderate physicochemical difference between glutamic acid and alanine.